The following is an entry in ClinVar:

NM_001267550.2(TTN):c.19191G>A (p.Thr6397=)

Gene: TTN (titin; minus strand). Cytogenetic location: 2q31.2.
Variant type: single nucleotide variant.
Coding change: c.19191G>A on transcript NM_001267550.2 (MANE Select); coding-DNA position 19191, G replaced by A.
Protein change: p.Thr6397=; no amino-acid change (threonine 6397 retained).
Molecular consequence: synonymous variant. On other transcripts: intron variant (3).
Genome position (GRCh38, 1-based): chr2:178,728,735, C>T on the plus strand (G>A on the coding strand, the complement: TTN is on the minus strand). VCF-style: chr2-178728735-C-T. GRCh37 (hg19) VCF-style: chr2-179593462-C-T.
Other names: p.T6080T:ACG>ACA; c.18240G>A, p.Thr6080= (NM_001256850.1); c.15459G>A, p.Thr5153= (NM_133378.4); c.13282+9347G>A (NM_003319.4); c.13858+9347G>A (NM_133437.4); c.13657+9347G>A (NM_133432.3).
Identifiers: ClinVar variation 46654 (VCV000046654.38), dbSNP rs140495148, ClinGen allele CA282743.

ClinVar aggregate classification (germline): Benign/Likely benign. Review status: criteria provided, multiple submitters, no conflicts (2 of 4 stars). 22 submissions from 15 submitters: Benign (12); Likely benign (6). 4 of the submissions do not count toward it. Last evaluated 2026-08-01.

Conditions:
Cardiovascular phenotype. Identifiers: MedGen CN230736.
Dilated cardiomyopathy 1G (CMD1G). Identifiers: Orphanet 154, MedGen C1858763, MONDO:0011400, OMIM 604145.
Autosomal recessive limb-girdle muscular dystrophy type 2J (LGMDR10). Also called: MUSCULAR DYSTROPHY, LIMB-GIRDLE, AUTOSOMAL RECESSIVE 10; Limb-girdle muscular dystrophy, type 2J. Identifiers: Orphanet 140922, MedGen C1837342, MONDO:0012127, OMIM 608807.
Cardiomyopathy (CMYO). Also called: Cardiomyopathies. Identifiers: Orphanet 167848, MedGen C0878544, MONDO:0004994, HP:0001638. Inheritance: Various modes of inheritance.
Early-onset myopathy with fatal cardiomyopathy (CMYO5). Also called: CONGENITAL MYOPATHY 5 WITH CARDIOMYOPATHY; Salih Myopathy. Identifiers: Orphanet 289377, MedGen C2673677, MONDO:0012714, OMIM 611705. Disease mechanism: loss of function.
Myopathy, myofibrillar, 9, with early respiratory failure (MFM9). Also called: Myopathy, distal, with early respiratory failure, autosomal dominant; Hereditary myopathy with early respiratory failure; MYOPATHY, PROXIMAL, WITH EARLY RESPIRATORY MUSCLE INVOLVEMENT; EDSTROM MYOPATHY. Identifiers: Orphanet 178464, Orphanet 34521, MedGen C1863599, MONDO:0011362, OMIM 603689.
Tibial muscular dystrophy (TMD). Also called: Udd Distal Myopathy – Tibial Muscular Dystrophy; Tibial muscular dystrophy, tardive; UDD MYOPATHY. Identifiers: Orphanet 609, MedGen C1838244, MONDO:0010870, OMIM 600334.

Allele frequency attached by ClinVar (database versions not stated): gnomAD 0.00063 and 0.00076; 1000 Genomes Project 30x 0.00359; 1000 Genomes Project 0.00399; ESP Exome Variant Server 0.00008; gnomAD exomes 0.00029 and 0.00129; TOPMed 0.00094; ExAC 0.00107.
gnomAD v4.1: 641 of 1,608,252 alleles (0.04%); highest among the groups gnomAD compares: East Asian, 1%; 8 homozygotes.

Submissions (22):

CeGaT Center for Human Genetics Tuebingen
Classification: Likely benign. Last evaluated: 2026-08-01. Review status: criteria provided, single submitter. Criteria: CeGaT Center For Human Genetics Tuebingen Variant Classification Criteria Version 2. Collection method: clinical testing. Allele origin: germline. Affected: yes. Observed: 2 variant alleles.
Comment: TTN: BP4, BP7, BS1

Labcorp Genetics (formerly Invitae), Labcorp
Classification: Benign for Dilated cardiomyopathy 1G; Autosomal recessive limb-girdle muscular dystrophy type 2J. Last evaluated: 2026-02-03. Review status: criteria provided, single submitter. Criteria: Invitae Variant Classification Sherloc (09022015). Collection method: clinical testing. Allele origin: germline.

Molecular Diagnostic Laboratory for Inherited Cardiovascular Disease, Montreal Heart Institute
Classification: Benign. Last evaluated: 2025-04-09. Review status: criteria provided, single submitter. Criteria: ACMG Guidelines, 2015. Collection method: clinical testing. Allele origin: germline. Affected: no.
Comment: BS1;BP6;BP7

Blueprint Genetics
Classification: Likely benign. Last evaluated: 2024-11-25. Review status: criteria provided, single submitter. Criteria: ACMG Guidelines, 2015. Collection method: clinical testing. Allele origin: germline.

Genome-Nilou Lab
Classification: Benign for Autosomal recessive limb-girdle muscular dystrophy type 2J. Last evaluated: 2021-09-10. Review status: criteria provided, single submitter. Criteria: ACMG Guidelines, 2015. Collection method: clinical testing. Allele origin: germline. Affected: no.

Genome-Nilou Lab
Classification: Benign for Myopathy, myofibrillar, 9, with early respiratory failure. Last evaluated: 2021-09-10. Review status: criteria provided, single submitter. Criteria: ACMG Guidelines, 2015. Collection method: clinical testing. Allele origin: germline. Affected: no.

Genome-Nilou Lab
Classification: Benign for Early-onset myopathy with fatal cardiomyopathy. Last evaluated: 2021-09-10. Review status: criteria provided, single submitter. Criteria: ACMG Guidelines, 2015. Collection method: clinical testing. Allele origin: germline. Affected: no.

Genome-Nilou Lab
Classification: Benign for Tibial muscular dystrophy. Last evaluated: 2021-09-10. Review status: criteria provided, single submitter. Criteria: ACMG Guidelines, 2015. Collection method: clinical testing. Allele origin: germline. Affected: no.

Women's Health and Genetics/Laboratory Corporation of America, LabCorp
Classification: Benign. Last evaluated: 2019-11-06. Review status: criteria provided, single submitter. Criteria: LabCorp Variant Classification Summary - May 2015. Collection method: clinical testing. Allele origin: germline.
Comment: Variant summary: TTN c.15459G>A alters a non-conserved nucleotide resulting in a synonymous change. 4/4 computational tools predict no significant impact on normal splicing. However, these predictions have yet to be confirmed by functional studies. The variant allele was found at a frequency of 0.0013 in 247912 control chromosomes (gnomAD), predominantly at a frequency of 0.017 within the East Asian subpopulation in the gnomAD database, including 6 homozygotes. The observed variant frequency within East Asian control individuals in the gnomAD database is approximately 27-fold the estimated maximal expected allele frequency for a pathogenic variant in TTN causing Cardiomyopathy phenotype (0.00063), strongly suggesting that the variant is a benign polymorphism found primarily in populations of East Asian origin. To our knowledge, no occurrence of c.15459G>A in individuals affected with Cardiomyopathy and no experimental evidence demonstrating an impact on protein function have been reported. Four ClinVar submitters (evaluation after 2014) have cited the variant three times as benign and once as uncertain significance. Based on the evidence outlined above, the variant was classified as benign.

Illumina Laboratory Services, Illumina
Classification: Likely benign for Early-onset myopathy with fatal cardiomyopathy. Last evaluated: 2018-01-13. Review status: criteria provided, single submitter. Criteria: ICSL Variant Classification Criteria 13 December 2019. Collection method: clinical testing. Allele origin: germline.
Comment: This variant was observed in the ICSL laboratory as part of a predisposition screen in an ostensibly healthy population. It had not been previously curated by ICSL or reported in the Human Gene Mutation Database (HGMD: prior to June 1st, 2018), and was therefore a candidate for classification through an automated scoring system. Utilizing variant allele frequency, disease prevalence and penetrance estimates, and inheritance mode, an automated score was calculated to assess if this variant is too frequent to cause the disease. Based on the score and internal cut-off values, a variant classified as likely benign is not then subjected to further curation. The score for this variant resulted in a classification of likely benign for this disease.

Illumina Laboratory Services, Illumina
Classification: Likely benign for Dilated cardiomyopathy 1G. Last evaluated: 2018-01-13. Review status: criteria provided, single submitter. Criteria: ICSL Variant Classification Criteria 13 December 2019. Collection method: clinical testing. Allele origin: germline.
Comment: the same text as in the submission from Illumina Laboratory Services, Illumina above.

Illumina Laboratory Services, Illumina
Classification: Benign for Tibial muscular dystrophy. Last evaluated: 2018-01-13. Review status: criteria provided, single submitter. Criteria: ICSL Variant Classification Criteria 13 December 2019. Collection method: clinical testing. Allele origin: germline.
Comment: This variant was observed in the ICSL laboratory as part of a predisposition screen in an ostensibly healthy population. It had not been previously curated by ICSL or reported in the Human Gene Mutation Database (HGMD: prior to June 1st, 2018), and was therefore a candidate for classification through an automated scoring system. Utilizing variant allele frequency, disease prevalence and penetrance estimates, and inheritance mode, an automated score was calculated to assess if this variant is too frequent to cause the disease. Based on the score and internal cut-off values, a variant classified as benign is not then subjected to further curation. The score for this variant resulted in a classification of benign for this disease.

Illumina Laboratory Services, Illumina
Classification: Likely benign for Autosomal recessive limb-girdle muscular dystrophy type 2J. Last evaluated: 2018-01-13. Review status: criteria provided, single submitter. Criteria: ICSL Variant Classification Criteria 13 December 2019. Collection method: clinical testing. Allele origin: germline.
Comment: the same text as in the submission from Illumina Laboratory Services, Illumina above.

Illumina Laboratory Services, Illumina
Classification: Benign for Myopathy, myofibrillar, 9, with early respiratory failure. Last evaluated: 2018-01-13. Review status: criteria provided, single submitter. Criteria: ICSL Variant Classification Criteria 13 December 2019. Collection method: clinical testing. Allele origin: germline.
Comment: the same text as in the submission from Illumina Laboratory Services, Illumina above.

CHEO Genetics Diagnostic Laboratory, Children's Hospital of Eastern Ontario
Classification: Benign for Cardiomyopathy. Last evaluated: 2015-12-01. Review status: criteria provided, single submitter. Criteria: ACMG Guidelines, 2015. Collection method: clinical testing. Allele origin: germline. Study: Canadian Open Genetics Repository.

Laboratory for Molecular Medicine, Mass General Brigham Personalized Medicine
Classification: Benign. Last evaluated: 2015-01-19. Review status: criteria provided, single submitter. Criteria: LMM Criteria. Collection method: clinical testing. Allele origin: germline. Observed: 6 variant alleles.
Comment: p.Thr5153Thr in exon 63 of TTN: This variant is not expected to have clinical s ignificance because it has been identified in 1.47% (127/8644) of East Asian chr omosomes by the Exome Aggregation Consortium (ExAC, rg; dbSNP rs140495148).

GeneDx
Classification: Benign. Last evaluated: 2014-04-22. Review status: criteria provided, single submitter. Criteria: GeneDx Variant Classification (06012015). Collection method: clinical testing. Allele origin: germline. Affected: yes.
Comment: This variant is considered likely benign or benign based on one or more of the following criteria: it is a conservative change, it occurs at a poorly conserved position in the protein, it is predicted to be benign by multiple in silico algorithms, and/or has population frequency not consistent with disease.

Ambry Genetics
Classification: Likely benign for Cardiovascular phenotype. Last evaluated: 2013-02-11. Review status: criteria provided, single submitter. Criteria: Ambry Autosomal Dominant and X-Linked criteria (10/2015). Collection method: clinical testing. Allele origin: germline. Observed: 1 variant allele.

Clinical Genetics DNA and cytogenetics Diagnostics Lab, Erasmus MC, Erasmus Medical Center
Classification: Likely benign. Review status: no assertion criteria provided. Collection method: clinical testing. Allele origin: germline. Affected: yes. Study: VKGL Data-share Consensus. Not counted in ClinVar's aggregate classification.

Clinical Genetics, Academic Medical Center
Classification: Benign. Review status: no assertion criteria provided. Collection method: clinical testing. Allele origin: germline. Affected: yes. Study: VKGL Data-share Consensus. Not counted in ClinVar's aggregate classification.

Diagnostic Laboratory, Department of Genetics, University Medical Center Groningen
Classification: Likely benign. Review status: no assertion criteria provided. Collection method: clinical testing. Allele origin: germline. Affected: yes. Study: VKGL Data-share Consensus. Not counted in ClinVar's aggregate classification.

Joint Genome Diagnostic Labs from Nijmegen and Maastricht, Radboudumc and MUMC+
Classification: Benign. Review status: no assertion criteria provided. Collection method: clinical testing. Allele origin: germline. Affected: yes. Study: VKGL Data-share Consensus. Not counted in ClinVar's aggregate classification.